The following is an entry in ClinVar:

NM_001332.4(CTNND2):c.3212-9T>C

Gene: CTNND2 (catenin delta 2; minus strand). Cytogenetic location: 5p15.2.
Variant type: single nucleotide variant.
Coding change: c.3212-9T>C on transcript NM_001332.4 (MANE Select); 9 bases into the intron before coding-DNA position 3212, T replaced by C.
Molecular consequence: intron variant.
Genome position (GRCh38, 1-based): chr5:10,988,251, A>G on the plus strand (T>C on the coding strand, the complement: CTNND2 is on the minus strand). VCF-style: chr5-10988251-A-G. GRCh37 (hg19) VCF-style: chr5-10988363-A-G.
Other names: c.1913-9T>C (NM_001288717.2); c.2276-9T>C (NM_001364128.2); c.2201-9T>C (NM_001288716.1); c.2939-9T>C (NM_001288715.1).
Identifiers: ClinVar variation 3049933 (VCV003049933.2), dbSNP rs1478476134, ClinGen allele CA557520726.

ClinVar aggregate classification (germline): Likely benign (0 of 4 stars; one submission).

Conditions:
CTNND2-related disorder. Also called: CTNND2-related condition.

Allele frequency attached by ClinVar (database versions not stated): gnomAD 0.00001; TOPMed 0.00002.
gnomAD v4.1: 12 of 1,613,992 alleles (0.00074%); highest among the groups gnomAD compares: Non-Finnish European, 0.001%; no homozygotes.

Submission:

PreventionGenetics, part of Exact Sciences
Classification: Likely benign for CTNND2-related condition. Last evaluated: 2023-03-10. Review status: no assertion criteria provided. Collection method: clinical testing. Allele origin: germline.
Comment: This variant is classified as likely benign based on ACMG/AMP sequence variant interpretation guidelines (Richards et al. 2015 PMID: 25741868, with internal and published modifications).